The following is an entry in ClinVar:

ClinVar aggregate classification (germline): Uncertain significance. Review status: criteria provided, multiple submitters, no conflicts (2 of 4 stars). 2 submissions from 2 submitters: Uncertain significance (2). Last evaluated 2025-11-07.

Conditions:
Inborn genetic diseases. Identifiers: MedGen C0950123, MeSH D030342.

Allele frequency attached by ClinVar (database versions not stated): gnomAD exomes below 0.00001.

Submissions (2):

Ambry Genetics
Classification: Uncertain significance for Inborn genetic diseases. Last evaluated: 2025-11-07. Review status: criteria provided, single submitter. Criteria: Ambry Variant Classification Scheme 2023. Collection method: clinical testing. Allele origin: germline.
Comment: The c.1289G>A (p.R430Q) alteration is located in exon 10 (coding exon 10) of the UPF3B gene. This alteration results from a G to A substitution at nucleotide position 1289, causing the arginine (R) at amino acid position 430 to be replaced by a glutamine (Q). This variant was not reported in population-based cohorts in the Genome Aggregation Database (gnomAD). This amino acid position is highly conserved in available vertebrate species. This alteration is predicted to be deleterious by in silico analysis. Based on insufficient or conflicting evidence, the clinical significance of this alteration remains unclear.

CeGaT Center for Human Genetics Tuebingen
Classification: Uncertain significance. Last evaluated: 2022-11-01. Review status: criteria provided, single submitter. Criteria: CeGaT Center For Human Genetics Tuebingen Variant Classification Criteria Version 2. Collection method: clinical testing. Allele origin: germline. Affected: yes. Observed: 1 variant allele.
Comment: UPF3B: PM2

NM_080632.3(UPF3B):c.1289G>A (p.Arg430Gln)

Gene: UPF3B (UPF3B regulator of nonsense mediated mRNA decay; minus strand). Cytogenetic location: Xq24.
Variant type: single nucleotide variant.
Coding change: c.1289G>A on transcript NM_080632.3 (MANE Select); coding-DNA position 1289, G replaced by A.
Protein change: p.Arg430Gln; replaces arginine 430 with glutamine.
Molecular consequence: missense variant.
Genome position (GRCh38, 1-based): chrX:119,837,770, C>T on the plus strand (G>A on the coding strand, the complement: UPF3B is on the minus strand). VCF-style: chrX-119837770-C-T. GRCh37 (hg19) VCF-style: chrX-118971733-C-T.
Other names: c.1250G>A, p.Arg417Gln (NM_023010.4); c.1289G>A (NM_080632.2); short protein forms R417Q, R430Q.
Identifiers: ClinVar variation 2661305 (VCV002661305.24), dbSNP rs2056114619, ClinGen allele CA414182764.